The following is an entry in ClinVar:

ClinVar aggregate classification (germline): Pathogenic (1 of 4 stars; one submission).

Allele frequency attached by ClinVar (database versions not stated): gnomAD exomes below 0.00001.

Submission:

Labcorp Genetics (formerly Invitae), Labcorp
Classification: Pathogenic. Last evaluated: 2022-11-08. Review status: criteria provided, single submitter. Criteria: Invitae Variant Classification Sherloc (09022015). Collection method: clinical testing. Allele origin: germline.
Comment: This sequence change creates a premature translational stop signal (p.Ala60Glufs*11) in the XRCC4 gene. It is expected to result in an absent or disrupted protein product. Loss-of-function variants in XRCC4 are known to be pathogenic (PMID: 25728776). This variant is present in population databases (no rsID available, gnomAD 0.003%). This variant has not been reported in the literature in individuals affected with XRCC4-related conditions. For these reasons, this variant has been classified as Pathogenic.

Literature cited by the submitters: PubMed 25728776.

NM_003401.5(XRCC4):c.179del (p.Ala60fs)

Gene: XRCC4 (X-ray repair cross complementing 4; plus strand). Cytogenetic location: 5q14.2.
Variant type: Deletion.
Coding change: c.179del on transcript NM_003401.5 (MANE Select); coding-DNA position 179, one base deleted (C; older notation c.179delC).
Protein change: p.Ala60fs; shifts the reading frame from alanine 60.
Molecular consequence: frameshift variant.
Genome position (GRCh38, 1-based): chr5:83,111,067, C deleted. VCF-style (leftmost placement, unchanged base first): chr5-83111066-GC-G. GRCh37 (hg19) VCF-style: chr5-82406885-GC-G.
Other names: c.179delC, p.Ala60Glufs (NM_001131022.1); c.179del, p.Ala60fs (NM_001318012.3, NM_001318013.2, NM_022406.5 and 1 more transcripts); short protein forms A60fs.
Identifiers: ClinVar variation 1962334 (VCV001962334.5), dbSNP rs1561332950, ClinGen allele CA561260232.